The following is an entry in ClinVar:

ClinVar aggregate classification (germline): Uncertain significance (1 of 4 stars; one submission).

Conditions:
Hereditary sensory and autonomic neuropathy type 7. Also called: Neuropathy, hereditary sensory and autonomic, type VII; HSAN VII. Identifiers: Orphanet 391397, MedGen C3809882, MONDO:0014244, OMIM 615548.
Familial episodic pain syndrome with predominantly lower limb involvement. Also called: Episodic pain syndrome, familial, 3. Identifiers: Orphanet 391384, Orphanet 391392, MedGen C3809899, MONDO:0014247, OMIM 615552.

gnomAD v4.1: 4 of 1,599,414 alleles (0.00025%); highest among the groups gnomAD compares: Admixed American, 0.0067%; no homozygotes.

Submission:

Labcorp Genetics (formerly Invitae), Labcorp
Classification: Uncertain significance for Familial episodic pain syndrome with predominantly lower limb involvement; Hereditary sensory and autonomic neuropathy type 7. Last evaluated: 2023-09-18. Review status: criteria provided, single submitter. Criteria: Invitae Variant Classification Sherloc (09022015). Collection method: clinical testing. Allele origin: germline.
Comment: In summary, the available evidence is currently insufficient to determine the role of this variant in disease. Therefore, it has been classified as a Variant of Uncertain Significance. An algorithm developed to predict the effect of missense changes on protein structure and function (PolyPhen-2) suggests that this variant is likely to be tolerated. This variant has not been reported in the literature in individuals affected with SCN11A-related conditions. This variant is present in population databases (rs146942592, gnomAD 0.006%). This sequence change replaces arginine, which is basic and polar, with serine, which is neutral and polar, at codon 238 of the SCN11A protein (p.Arg238Ser).

NM_001349253.2(SCN11A):c.712C>A (p.Arg238Ser)

Gene: SCN11A (sodium voltage-gated channel alpha subunit 11; minus strand). Cytogenetic location: 3p22.2.
Variant type: single nucleotide variant.
Coding change: c.712C>A on transcript NM_001349253.2 (MANE Select); coding-DNA position 712, C replaced by A.
Protein change: p.Arg238Ser; replaces arginine 238 with serine.
Molecular consequence: missense variant.
Genome position (GRCh38, 1-based): chr3:38,925,415, G>T on the plus strand (C>A on the coding strand, the complement: SCN11A is on the minus strand). VCF-style: chr3-38925415-G-T. GRCh37 (hg19) VCF-style: chr3-38966906-G-T.
Other names: c.712C>A, p.Arg238Ser (NM_014139.3); short protein forms R238S.
Identifiers: ClinVar variation 2933225 (VCV002933225.3), dbSNP rs146942592, ClinGen allele CA2322546.
Genomic context (GRCh38, chr3:38,925,415, plus strand): 5'-TAAATATAAATTAACATTCTTTCTAGATAGGAGCCAGTGTGGAAAGTGAGAGTGACTTAC[G>T]TGAAACTACTGAAATTGCTTTCAAAGCTCTGAACACACGGAAGGTACGCAGGGGCAATAG-3'
Protein context (NP_001336182.1, residues 228-248): RALKAISVVS[Arg238Ser]LKVIVGALLR